The following is an entry in ClinVar:

NM_005045.4(RELN):c.3180C>G (p.His1060Gln)

Gene: RELN (reelin; minus strand). Cytogenetic location: 7q22.1.
Variant type: single nucleotide variant.
Coding change: c.3180C>G on transcript NM_005045.4 (MANE Select); coding-DNA position 3180, C replaced by G.
Protein change: p.His1060Gln; replaces histidine 1060 with glutamine.
Molecular consequence: missense variant.
Genome position (GRCh38, 1-based): chr7:103,603,457, G>C on the plus strand (C>G on the coding strand, the complement: RELN is on the minus strand). VCF-style: chr7-103603457-G-C. GRCh37 (hg19) VCF-style: chr7-103243904-G-C.
Other names: c.3180C>G, p.His1060Gln (NM_173054.3); short protein forms H1060Q.
Identifiers: ClinVar variation 2935272 (VCV002935272.3), dbSNP rs1831727545, ClinGen allele CA368763375.

ClinVar aggregate classification (germline): Uncertain significance (1 of 4 stars; one submission).

Conditions:
Familial temporal lobe epilepsy 7. Identifiers: Orphanet 101046, MedGen C4225327, MONDO:0014639, OMIM 616436.
Norman-Roberts syndrome (LIS2). Also called: Lissencephaly 2 (Norman-Roberts type). Identifiers: Orphanet 89844, MedGen C0796089, MONDO:0009760, OMIM 257320.

Allele frequency attached by ClinVar (database versions not stated): gnomAD 0.00001.
gnomAD v4.1: 1 of 1,613,762 alleles (0.000062%); highest among the groups gnomAD compares: Admixed American, 0.0017%; no homozygotes.

Submission:

Labcorp Genetics (formerly Invitae), Labcorp
Classification: Uncertain significance for Familial temporal lobe epilepsy 7; Norman-Roberts syndrome. Last evaluated: 2023-10-09. Review status: criteria provided, single submitter. Criteria: Invitae Variant Classification Sherloc (09022015). Collection method: clinical testing. Allele origin: germline.
Comment: This sequence change replaces histidine, which is basic and polar, with glutamine, which is neutral and polar, at codon 1060 of the RELN protein (p.His1060Gln). This variant is not present in population databases (gnomAD no frequency). This variant has not been reported in the literature in individuals affected with RELN-related conditions. Advanced modeling of protein sequence and biophysical properties (such as structural, functional, and spatial information, amino acid conservation, physicochemical variation, residue mobility, and thermodynamic stability) performed at Invitae indicates that this missense variant is not expected to disrupt RELN protein function. In summary, the available evidence is currently insufficient to determine the role of this variant in disease. Therefore, it has been classified as a Variant of Uncertain Significance.